The following is an entry in ClinVar:

ClinVar aggregate classification (germline): Uncertain significance (1 of 4 stars; one submission).

Conditions:
LRP4-related disorder. Also called: LRP4-related condition.

Allele frequency attached by ClinVar (database versions not stated): gnomAD exomes below 0.00001.
gnomAD v4.1: 2 of 1,613,970 alleles (0.00012%); highest among the groups gnomAD compares: African/African-American, 0.0027%; no homozygotes.

Submission:

PreventionGenetics, part of Exact Sciences
Classification: Uncertain significance for LRP4-related condition. Last evaluated: 2023-07-10. Review status: criteria provided, single submitter. Criteria: ACMG Guidelines, 2015. Collection method: clinical testing. Allele origin: germline.
Comment: The LRP4 c.3236C>A variant is predicted to result in the amino acid substitution p.Thr1079Asn. To our knowledge, this variant has not been reported in the literature. This variant is reported in 0.0080% of alleles in individuals of African descent in gnomAD. At this time, the clinical significance of this variant is uncertain due to the absence of conclusive functional and genetic evidence.

NM_002334.4(LRP4):c.3236C>A (p.Thr1079Asn)

Gene: LRP4 (LDL receptor related protein 4; minus strand). Cytogenetic location: 11p11.2.
Variant type: single nucleotide variant.
Coding change: c.3236C>A on transcript NM_002334.4 (MANE Select); coding-DNA position 3236, C replaced by A.
Protein change: p.Thr1079Asn; replaces threonine 1079 with asparagine.
Molecular consequence: missense variant.
Genome position (GRCh38, 1-based): chr11:46,877,240, G>T on the plus strand (C>A on the coding strand, the complement: LRP4 is on the minus strand). VCF-style: chr11-46877240-G-T. GRCh37 (hg19) VCF-style: chr11-46898791-G-T.
Other names: short protein forms T1079N.
Identifiers: ClinVar variation 2631328 (VCV002631328.1), dbSNP rs1381410610, ClinGen allele CA380275356.
Genomic context (GRCh38, chr11:46,877,240, plus strand): 5'-AAGAGAGGGCCATACAGACCTTCCTGGGGGTCTACTCCAATGGCAATGGTGTTCTTCATG[G>T]TAATGTTGATTGGTACCACCACATCAGCAAAATAAGGGATGTCCAGGGAGACCATGCGAA-3'
Protein context (NP_002325.2, residues 1069-1089): FADVVVPINI[Thr1079Asn]MKNTIAIGVD